The following is an entry in ClinVar:

NM_005263.5(GFI1):c.772A>G (p.Ile258Val)

Gene: GFI1 (growth factor independent 1 transcriptional repressor; minus strand). Cytogenetic location: 1p22.1.
Variant type: single nucleotide variant.
Coding change: c.772A>G on transcript NM_005263.5 (MANE Select); coding-DNA position 772, A replaced by G.
Protein change: p.Ile258Val; replaces isoleucine 258 with valine.
Molecular consequence: missense variant.
Genome position (GRCh38, 1-based): chr1:92,480,615, T>C on the plus strand (A>G on the coding strand, the complement: GFI1 is on the minus strand). VCF-style: chr1-92480615-T-C. GRCh37 (hg19) VCF-style: chr1-92946172-T-C.
Other names: c.772A>G, p.Ile258Val (NM_001127215.3, NM_001127216.3); short protein forms I258V.
Identifiers: ClinVar variation 538139 (VCV000538139.12), dbSNP rs755193129, ClinGen allele CA951320.

ClinVar aggregate classification (germline): Conflicting classifications of pathogenicity. Review status: criteria provided, conflicting classifications (1 of 4 stars). 2 submissions from 2 submitters: Uncertain significance (1); Likely benign (1). Last evaluated 2025-10-01.

Conditions:
Neutropenia, severe congenital, 2, autosomal dominant. Identifiers: Orphanet 486, MedGen C2751288, MONDO:0013139, OMIM 613107.

Allele frequency attached by ClinVar (database versions not stated): gnomAD 0.00002 and 0.00003; TOPMed 0.00003; gnomAD exomes 0.00011; ExAC 0.00034.
gnomAD v4.1: 72 of 1,564,812 alleles (0.0046%); highest among the groups gnomAD compares: South Asian, 0.037%; no homozygotes.

Submissions (2):

Labcorp Genetics (formerly Invitae), Labcorp
Classification: Likely benign for Neutropenia, severe congenital, 2, autosomal dominant. Last evaluated: 2025-10-01. Review status: criteria provided, single submitter. Criteria: Invitae Variant Classification Sherloc (09022015). Collection method: clinical testing. Allele origin: germline.

Ambry Genetics
Classification: Uncertain significance. Last evaluated: 2024-11-25. Review status: criteria provided, single submitter. Criteria: Ambry Variant Classification Scheme 2023. Collection method: clinical testing. Allele origin: germline.
Comment: The p.I258V variant (also known as c.772A>G), located in coding exon 3 of the GFI1 gene, results from an A to G substitution at nucleotide position 772. The isoleucine at codon 258 is replaced by valine, an amino acid with highly similar properties. This amino acid position is conserved. In addition, this alteration is predicted to be tolerated by in silico analysis. Based on the available evidence, the clinical significance of this variant remains unclear.